The following is an entry in ClinVar:

NM_001374623.1(PNPLA1):c.1318C>T (p.Arg440Ter)

Gene: PNPLA1 (patatin like domain 1, omega-hydroxyceramide transacylase; plus strand). Cytogenetic location: 6p21.31.
Variant type: single nucleotide variant.
Coding change: c.1318C>T on transcript NM_001374623.1 (MANE Select); coding-DNA position 1318, C replaced by T.
Protein change: p.Arg440Ter; replaces arginine 440 with a stop codon.
Molecular consequence: nonsense.
Genome position (GRCh38, 1-based): chr6:36,302,403, C>T. VCF-style: chr6-36302403-C-T. GRCh37 (hg19) VCF-style: chr6-36270180-C-T.
Other names: c.1060C>T, p.Arg354Ter (NM_001145716.2); c.1318C>T, p.Arg440Ter (NM_001145717.1); c.1033C>T, p.Arg345Ter (NM_173676.2); short protein forms R345*, R354*, R440*.
Identifiers: ClinVar variation 4693753 (VCV004693753.1).

ClinVar aggregate classification (germline): Pathogenic (1 of 4 stars; one submission).

gnomAD v4.1: 125 of 1,583,554 alleles (0.0079%); highest among the groups gnomAD compares: Non-Finnish European, 0.011%; no homozygotes.

Submission:

Labcorp Genetics (formerly Invitae), Labcorp
Classification: Pathogenic. Last evaluated: 2026-01-04. Review status: criteria provided, single submitter. Criteria: Invitae Variant Classification Sherloc (09022015). Collection method: clinical testing. Allele origin: germline.
Comment: This sequence change creates a premature translational stop signal (p.Arg440*) in the PNPLA1 gene. It is expected to result in an absent or disrupted protein product. Loss-of-function variants in PNPLA1 are known to be pathogenic (PMID: 22246504, 28093717). This variant is present in population databases (rs375447794, gnomAD 0.006%). This variant has not been reported in the literature in individuals affected with PNPLA1-related conditions. For these reasons, this variant has been classified as Pathogenic.

Literature cited by the submitters: PubMed 22246504; PubMed 28093717.